The following is an entry in ClinVar:

ClinVar aggregate classification (germline): Pathogenic/Likely pathogenic. Review status: criteria provided, multiple submitters, no conflicts (2 of 4 stars). 4 submissions from 4 submitters: Pathogenic (3); Likely pathogenic (1). Last evaluated 2025-02-06.

Conditions:
Ataxia-telangiectasia syndrome (AT). Also called: ATAXIA-TELANGIECTASIA, COMPLEMENTATION GROUP A; ATAXIA-TELANGIECTASIA, FRESNO VARIANT; Ataxia-telangiectasia; Ataxia-telangiectasia, complementation group D; AT, COMPLEMENTATION GROUP C; Ataxia-telangiectasia, complementation group E. Identifiers: Orphanet 100, MedGen C0004135, MONDO:0008840, OMIM 208900.
Familial cancer of breast. Also called: hereditary breast carcinoma; BREAST CANCER, FAMILIAL; Hereditary breast cancer. Identifiers: Orphanet 227535, MedGen C0346153, MONDO:0016419, OMIM 114480. Disease mechanism: loss of function.

Allele frequency attached by ClinVar (database versions not stated): gnomAD exomes below 0.00001.
gnomAD v4.1: 1 of 1,613,982 alleles (0.000062%); highest among the groups gnomAD compares: South Asian, 0.0011%; no homozygotes.

Submissions (4):

Labcorp Genetics (formerly Invitae), Labcorp
Classification: Pathogenic for Ataxia-telangiectasia syndrome. Last evaluated: 2025-02-06. Review status: criteria provided, single submitter. Criteria: Invitae Variant Classification Sherloc (09022015). Collection method: clinical testing. Allele origin: germline.
Comment: This sequence change creates a premature translational stop signal (p.Gln781*) in the ATM gene. It is expected to result in an absent or disrupted protein product. Loss-of-function variants in ATM are known to be pathogenic (PMID: 23807571, 25614872). This variant is not present in population databases (gnomAD no frequency). This variant has not been reported in the literature in individuals affected with ATM-related conditions. ClinVar contains an entry for this variant (Variation ID: 524264). Algorithms developed to predict the effect of sequence changes on RNA splicing suggest that this variant may disrupt the consensus splice site. For these reasons, this variant has been classified as Pathogenic.

Fulgent Genetics
Classification: Likely pathogenic for Familial cancer of breast; Ataxia-telangiectasia syndrome. Last evaluated: 2024-05-24. Review status: criteria provided, single submitter. Criteria: ACMG Guidelines, 2015. Collection method: clinical testing. Allele origin: germline.

Centre for Mendelian Genomics, University Medical Centre Ljubljana
Classification: Pathogenic for Familial cancer of breast. Last evaluated: 2022-12-09. Review status: criteria provided, single submitter. Criteria: ACMG Guidelines, 2015. Collection method: research. Allele origin: germline. Affected: no.
Comment: PVS1, PM2_SUP, PM3_SUP

Kasturba Medical College, Manipal, Kasturba Medical College, Manipal, Manipal Academy of Higher Education, Manipal, India
Classification: Pathogenic for Ataxia-telangiectasia syndrome. Last evaluated: 2022-03-10. Review status: criteria provided, single submitter. Criteria: ACMG Guidelines, 2015. Collection method: clinical testing. Allele origin: germline. Affected: yes.

Literature cited by the submitters: PubMed 23807571 (cited by Labcorp Genetics (formerly Invitae), Labcorp); PubMed 25614872 (cited by Labcorp Genetics (formerly Invitae), Labcorp).

NM_000051.4(ATM):c.2341C>T (p.Gln781Ter)

Gene: ATM (ATM serine/threonine kinase; plus strand). Cytogenetic location: 11q22.3.
Variant type: single nucleotide variant.
Coding change: c.2341C>T on transcript NM_000051.4 (MANE Select); coding-DNA position 2341, C replaced by T.
Protein change: p.Gln781Ter; replaces glutamine 781 with a stop codon.
Molecular consequence: nonsense.
Genome position (GRCh38, 1-based): chr11:108,257,571, C>T. VCF-style: chr11-108257571-C-T. GRCh37 (hg19) VCF-style: chr11-108128298-C-T.
Other names: c.2341C>T, p.Gln781Ter (NM_001351834.2); short protein forms Q781*.
Identifiers: ClinVar variation 524264 (VCV000524264.12), dbSNP rs1555075781, ClinGen allele CA382540161.